The following is an entry in ClinVar:

ClinVar aggregate classification (germline): Uncertain significance (1 of 4 stars; one submission).

Conditions:
Aortic aneurysm, familial thoracic 7 (AAT7). Also called: AORTIC DISSECTION, FAMILIAL, WITH OR WITHOUT AORTIC ANEURYSM. Identifiers: MedGen C3151077, MONDO:0013418, OMIM 613780.

gnomAD v4.1: 1 of 1,614,196 alleles (0.000062%); highest among the groups gnomAD compares: East Asian, 0.0022%; no homozygotes.

Submission:

Labcorp Genetics (formerly Invitae), Labcorp
Classification: Uncertain significance for Aortic aneurysm, familial thoracic 7. Last evaluated: 2026-01-17. Review status: criteria provided, single submitter. Criteria: Invitae Variant Classification Sherloc (09022015). Collection method: clinical testing. Allele origin: germline.
Comment: This sequence change replaces valine, which is neutral and non-polar, with leucine, which is neutral and non-polar, at codon 1807 of the MYLK protein (p.Val1807Leu). This variant is not present in population databases (gnomAD no frequency). This variant has not been reported in the literature in individuals affected with MYLK-related conditions. Invitae Evidence Modeling of protein sequence and biophysical properties (such as structural, functional, and spatial information, amino acid conservation, physicochemical variation, residue mobility, and thermodynamic stability) indicates that this missense variant is not expected to disrupt MYLK protein function with a negative predictive value of 80%. In summary, the available evidence is currently insufficient to determine the role of this variant in disease. Therefore, it has been classified as a Variant of Uncertain Significance.

NM_053025.4(MYLK):c.5419G>C (p.Val1807Leu)

Genes: MYLK-AS1 (MYLK antisense RNA 1; plus strand), MYLK (myosin light chain kinase; minus strand). Cytogenetic location: 3q21.1.
Variant type: single nucleotide variant.
Coding change: c.5419G>C on transcript NM_053025.4 (MANE Select); coding-DNA position 5419, G replaced by C.
Protein change: p.Val1807Leu; replaces valine 1807 with leucine.
Molecular consequence: missense variant.
Genome position (GRCh38, 1-based): chr3:123,618,720, C>G on the plus strand (G>C on the coding strand, the complement: MYLK is on the minus strand). VCF-style: chr3-123618720-C-G. GRCh37 (hg19) VCF-style: chr3-123337567-C-G.
Other names: c.4891G>C, p.Val1631Leu (NM_001321309.2); c.136G>C, p.Val46Leu (NM_001438035.1, NM_053031.4); c.5212G>C, p.Val1738Leu (NM_053026.4); c.5266G>C, p.Val1756Leu (NM_053027.4); c.5059G>C, p.Val1687Leu (NM_053028.4); c.139G>C, p.Val47Leu (NM_053032.4); short protein forms V1756L, V46L, V1807L, V47L, V1631L, V1687L, V1738L.
Identifiers: ClinVar variation 4706026 (VCV004706026.1).
Genomic context (GRCh38, chr3:123,618,720, plus strand): 5'-TAGCAGCACTTCCCTCCACAACTTCTAAATCGCGAATGGTCTTAGAGAAATAGGGTTTTA[C>G]ATGAGGCTTTTCCTCAGCAACAGCCTCAAGGAAAGCTTGGGACACATCTTCTAGAAGACA-3'
Protein context (NP_444253.3, residues 1797-1817): LEAVAEEKPH[Val1807Leu]KPYFSKTIRD